The following is an entry in ClinVar:

NM_001005242.3(PKP2):c.1410del (p.Lys470fs)

Gene: PKP2 (plakophilin 2; minus strand). Cytogenetic location: 12p11.21.
Variant type: Deletion.
Coding change: c.1410del on transcript NM_001005242.3 (MANE Select); coding-DNA position 1410, one base deleted (A; older notation c.1410delA).
Protein change: p.Lys470fs; shifts the reading frame from lysine 470.
Molecular consequence: frameshift variant.
Genome position (GRCh38, 1-based): chr12:32,841,174, T deleted on the plus strand (A on the coding strand, the reverse complement: PKP2 is on the minus strand); the first of 3 consecutive T bases (chr12:32,841,174-32,841,176); deleting any one gives the same sequence. VCF-style (leftmost placement, unchanged base first): chr12-32841173-GT-G. GRCh37 (hg19) VCF-style: chr12-32994107-GT-G.
Other names: c.1542delA (NM_004572.3); c.1542del, p.Lys514fs (NM_004572.4); short protein forms K470fs, K514fs.
Identifiers: ClinVar variation 568301 (VCV000568301.9), dbSNP rs1565586958, ClinGen allele CA891843478.

ClinVar aggregate classification (germline): Pathogenic. Review status: criteria provided, multiple submitters, no conflicts (2 of 4 stars). 2 submissions from 2 submitters: Pathogenic (2). Last evaluated 2025-06-06.

Conditions:
Arrhythmogenic right ventricular dysplasia 9 (ARVD9). Also called: Arrhythmogenic Right Ventricular Dysplasia/Cardiomyopathy 9; ARRHYTHMOGENIC RIGHT VENTRICULAR DYSPLASIA, FAMILIAL, 9. Identifiers: MedGen C1836906, MONDO:0012180, OMIM 609040.

Submissions (2):

ARUP Laboratories, Molecular Genetics and Genomics, ARUP Laboratories
Classification: Pathogenic for Arrhythmogenic right ventricular dysplasia 9. Last evaluated: 2025-06-06. Review status: criteria provided, single submitter. Criteria: ARUP Molecular Germline Variant Investigation Process 2024. Collection method: clinical testing. Allele origin: germline.
Comment: The PKP2 c.1542del; p.Lys514AsnfsTer6 variant (rs1565586958, ClinVar Variation ID: 568301) is reported in the literature in an individual included in an arrhythmogenic right ventricular cardiomyopathy cohort (Dries 2021). This variant is absent from the Genome Aggregation Database (v2.1.1), indicating it is not a common polymorphism. This variant causes a frameshift by deleting a single nucleotide, so it is predicted to result in a truncated protein or mRNA subject to nonsense-mediated decay. Based on available information, this variant is considered to be pathogenic. References: Dries AM et al. The genetic architecture of Plakophilin 2 cardiomyopathy. Genet Med. 2021 Oct;23(10):1961-1968. PMID: 34120153.

Labcorp Genetics (formerly Invitae), Labcorp
Classification: Pathogenic for Arrhythmogenic right ventricular dysplasia 9. Last evaluated: 2022-12-25. Review status: criteria provided, single submitter. Criteria: Invitae Variant Classification Sherloc (09022015). Collection method: clinical testing. Allele origin: germline.
Comment: For these reasons, this variant has been classified as Pathogenic. ClinVar contains an entry for this variant (Variation ID: 568301). This variant has not been reported in the literature in individuals affected with PKP2-related conditions. This variant is not present in population databases (gnomAD no frequency). This sequence change creates a premature translational stop signal (p.Lys514Asnfs*6) in the PKP2 gene. It is expected to result in an absent or disrupted protein product. Loss-of-function variants in PKP2 are known to be pathogenic (PMID: 15489853, 23911551).

Literature cited by the submitters: PubMed 15489853 (cited by Labcorp Genetics (formerly Invitae), Labcorp); PubMed 23911551 (cited by Labcorp Genetics (formerly Invitae), Labcorp).